The following is an entry in ClinVar:

NM_003742.4(ABCB11):c.3025A>C (p.Asn1009His)

Gene: ABCB11 (ATP binding cassette subfamily B member 11; minus strand). Cytogenetic location: 2q31.1.
Variant type: single nucleotide variant.
Coding change: c.3025A>C on transcript NM_003742.4 (MANE Select); coding-DNA position 3025, A replaced by C.
Protein change: p.Asn1009His; replaces asparagine 1009 with histidine.
Molecular consequence: missense variant.
Genome position (GRCh38, 1-based): chr2:168,935,215, T>G on the plus strand (A>C on the coding strand, the complement: ABCB11 is on the minus strand). VCF-style: chr2-168935215-T-G. GRCh37 (hg19) VCF-style: chr2-169791725-T-G.
Other names: short protein forms N1009H.
Identifiers: ClinVar variation 4846109 (VCV004846109.1).
Genomic context (GRCh38, chr2:168,935,215, plus strand): 5'-TTTTCTCACCTTGGCTAGATATTCCTCACCTGAACACATAGCTGAAATGGAGCCCCTCAT[T>G]GGAGATTAAGTAACCTCCATATCTGTAGGAAGCAGAATTCGCAATAAACATGATGCACTG-3'
Protein context (NP_003733.2, residues 999-1019): SYRYGGYLIS[Asn1009His]EGLHFSYVFR

ClinVar aggregate classification (germline): Uncertain significance (1 of 4 stars; one submission).

Conditions:
Familial intrahepatic cholestasis. Identifiers: Orphanet 284385, MedGen CN296401, MONDO:0017290.

Submission:

Genomenon, Inc
Classification: Uncertain significance for Familial intrahepatic cholestasis. Last evaluated: 2026-04-14. Review status: criteria provided, single submitter. Criteria: Genomenon Sequence Variant Interpretation Standards - Updated. Collection method: curation. Allele origin: germline. Affected: no.
Comment: ABCB11 p.Asn1009His (c.3025A>C) is a missense variant that changes the amino acid at residue 1009 from Asparagine to Histidine. This variant has been reported in the published literature (PMID:22795478). It is absent or not present at a significant frequency in gnomAD. In silico models predict that this variant is not damaging. In conclusion, we classify ABCB11 p.Asn1009His (c.3025A>C) as a variant of uncertain significance.

Literature cited by the submitters: PubMed 22795478.